The following is an entry in ClinVar:

NC_000009.12:g.35658037_35658041dup

Gene: RMRP (RNA component of mitochondrial RNA processing endoribonuclease; minus strand). Cytogenetic location: 9p13.3.
Variant type: Duplication.
Genome position: GRCh38 VCF-style: chr9-35658034-C-CAGAGT. GRCh37 (hg19) VCF-style: chr9-35658031-C-CAGAGT.
Identifiers: ClinVar variation 550385 (VCV000550385.5), dbSNP rs1472119885, ClinGen allele CA587570245.

ClinVar aggregate classification (germline): Uncertain significance. Review status: criteria provided, single submitter (1 of 4 stars). 2 submissions from 2 submitters: Uncertain significance (1). 1 of the submissions does not count toward it. Last evaluated 2022-08-23.

Conditions:
Anauxetic dysplasia. Identifiers: Orphanet 93347, MedGen C1846796, MONDO:0011773.
Metaphyseal chondrodysplasia, McKusick type (CHH). Also called: Cartilage-Hair Hypoplasia (CHH); Cartilage-hair hypoplasia. Identifiers: Orphanet 175, MedGen C0220748, MONDO:0009595, OMIM 250250.

Submissions (2):

Labcorp Genetics (formerly Invitae), Labcorp
Classification: Uncertain significance for Anauxetic dysplasia. Last evaluated: 2022-08-23. Review status: criteria provided, single submitter. Criteria: Invitae Variant Classification Sherloc (09022015). Collection method: clinical testing. Allele origin: germline.
Comment: This variant occurs in the RMRP gene, which encodes an RNA molecule that does not result in a protein product. This variant is present in population databases (no rsID available, gnomAD 0.005%). This variant has not been reported in the literature in individuals affected with RMRP-related conditions. Experimental studies and prediction algorithms are not available or were not evaluated, and the functional significance of this variant is currently unknown. In summary, the available evidence is currently insufficient to determine the role of this variant in disease. Therefore, it has been classified as a Variant of Uncertain Significance.

Counsyl
Classification: Uncertain significance for Metaphyseal chondrodysplasia, McKusick type. Last evaluated: 2017-01-19. Review status: no assertion criteria provided. Collection method: clinical testing. Allele origin: unknown. Not counted in ClinVar's aggregate classification.